The following is an entry in ClinVar:

ClinVar aggregate classification (germline): Uncertain significance (1 of 4 stars; one submission).

Submission:

Center for Pediatric Genomic Medicine, Children's Mercy Hospital and Clinics
Classification: Uncertain significance. Last evaluated: 2016-01-20. Review status: criteria provided, single submitter. Criteria: ACMG Guidelines, 2015. Collection method: clinical testing. Allele origin: germline.
ClinVar note: Converted during submission from Uncertain Significance to Uncertain significance.

NM_001184.4(ATR):c.5739-14_5739-7del

Gene: ATR (ATR checkpoint kinase; minus strand). Cytogenetic location: 3q23.
Variant type: Deletion.
Coding change: c.5739-14_5739-7del on transcript NM_001184.4 (MANE Select); 14 bases into the intron before coding-DNA position 5739 through 7 bases into the intron before coding-DNA position 5739, 8 bases deleted (GTTACTTC; older notation c.5739-14_5739-7delGTTACTTC).
Molecular consequence: intron variant.
Genome position (GRCh38, 1-based): chr3:142,496,527-142,496,534, GAAGTAAC deleted on the plus strand (GTTACTTC on the coding strand, the reverse complement: ATR is on the minus strand). VCF-style (leftmost placement, unchanged base first): chr3-142496526-GGAAGTAAC-G. GRCh37 (hg19) VCF-style: chr3-142215368-GGAAGTAAC-G.
Other names: c.5547-14_5547-7del (NM_001354579.2).
Identifiers: ClinVar variation 235288 (VCV000235288.3), dbSNP rs878853001, ClinGen allele CA10581266.